The following is an entry in ClinVar:

ClinVar aggregate classification (germline): Uncertain significance (1 of 4 stars; one submission).

Submission:

Labcorp Genetics (formerly Invitae), Labcorp
Classification: Uncertain significance. Last evaluated: 2024-05-09. Review status: criteria provided, single submitter. Criteria: Invitae Variant Classification Sherloc (09022015). Collection method: clinical testing. Allele origin: germline.
Comment: This sequence change creates a premature translational stop signal (p.Asp1049Metfs*66) in the NYNRIN gene. While this is not anticipated to result in nonsense mediated decay, it is expected to disrupt the last 850 amino acid(s) of the NYNRIN protein. This variant is not present in population databases (gnomAD no frequency). This variant has not been reported in the literature in individuals affected with NYNRIN-related conditions. Experimental studies and prediction algorithms are not available or were not evaluated, and the functional significance of this variant is currently unknown. In summary, the available evidence is currently insufficient to determine the role of this variant in disease. Therefore, it has been classified as a Variant of Uncertain Significance.

NM_025081.3(NYNRIN):c.3144del (p.Asp1049fs)

Gene: NYNRIN (NYN domain and retroviral integrase containing; plus strand). Cytogenetic location: 14q12.
Variant type: Deletion.
Coding change: c.3144del on transcript NM_025081.3 (MANE Select); coding-DNA position 3144, one base deleted (T; older notation c.3144delT).
Protein change: p.Asp1049fs; shifts the reading frame from aspartic acid 1049.
Molecular consequence: frameshift variant.
Genome position (GRCh38, 1-based): chr14:24,414,893, T deleted. VCF-style (leftmost placement, unchanged base first): chr14-24414892-CT-C. GRCh37 (hg19) VCF-style: chr14-24884098-CT-C.
Other names: short protein forms D1049fs.
Identifiers: ClinVar variation 3652807 (VCV003652807.2).